The following is an entry in ClinVar:

ClinVar aggregate classification (germline): Benign (0 of 4 stars; one submission).

Conditions:
DMBT1-related disorder. Also called: DMBT1-related condition.

Allele frequency attached by ClinVar (database versions not stated): ESP Exome Variant Server 0.06773; TOPMed 0.09095; 1000 Genomes Project 30x 0.12492; 1000 Genomes Project 0.12819.
gnomAD v4.1: 79,755 of 1,613,692 alleles (4.9%); highest among the groups gnomAD compares: East Asian, 22%; 3,676 homozygotes.

Submission:

PreventionGenetics, part of Exact Sciences
Classification: Benign for DMBT1-related condition. Last evaluated: 2019-05-21. Review status: no assertion criteria provided. Collection method: clinical testing. Allele origin: germline.
Comment: This variant is classified as benign based on ACMG/AMP sequence variant interpretation guidelines (Richards et al. 2015 PMID: 25741868, with internal and published modifications).

NM_001377530.1(DMBT1):c.3087C>G (p.Val1029=)

Gene: DMBT1 (deleted in malignant brain tumors 1; plus strand). Cytogenetic location: 10q26.13.
Variant type: single nucleotide variant.
Coding change: c.3087C>G on transcript NM_001377530.1 (MANE Select); coding-DNA position 3087, C replaced by G.
Protein change: p.Val1029=; no amino-acid change (valine 1029 retained).
Molecular consequence: synonymous variant.
Genome position (GRCh38, 1-based): chr10:122,598,904, C>G. VCF-style: chr10-122598904-C-G. GRCh37 (hg19) VCF-style: chr10-124358420-C-G.
Other names: c.3087C>G, p.Val1029= (NM_001320644.2, NM_007329.3); c.1590C>G, p.Val530= (NM_004406.3); c.3057C>G, p.Val1019= (NM_017579.3).
Identifiers: ClinVar variation 3055567 (VCV003055567.2), dbSNP rs2277242, ClinGen allele CA5727375.
Genomic context (GRCh38, chr10:122,598,904, plus strand): 5'-ATACCAAGGCTCCTGGGGCACCGTGTGCGATGACAGCTGGGACACCAATGATGCCAATGT[C>G]GTCTGCAGGCAACTGGGCTGTGGCTGGGCCATGTCAGCCCCAGGAAATGCCCGGTTTGGT-3'
Protein context (NP_001364459.1, residues 1019-1039): DDSWDTNDAN[Val1029=]VCRQLGCGWA